The following is an entry in ClinVar:

ClinVar aggregate classification (germline): Uncertain significance. Review status: criteria provided, multiple submitters, no conflicts (2 of 4 stars). 2 submissions from 2 submitters: Uncertain significance (2). Last evaluated 2026-03-16.

Conditions:
Hereditary cancer-predisposing syndrome. Also called: Neoplastic Syndromes, Hereditary; Hereditary Cancer Syndrome; Hereditary neoplastic syndrome; Tumor predisposition. Identifiers: Orphanet 140162, MedGen C0027672, MeSH D009386, MONDO:0015356.

Submissions (2):

GeneDx
Classification: Uncertain significance. Last evaluated: 2026-03-16. Review status: criteria provided, single submitter. Criteria: GeneDx Variant Classification Process June 2021. Collection method: clinical testing. Allele origin: germline.
Comment: Not observed at significant frequency in large population cohorts (gnomAD); In silico analysis suggests that this missense variant does not alter protein structure/function; Has not been previously published as pathogenic or benign to our knowledge

Ambry Genetics
Classification: Uncertain significance for Hereditary cancer-predisposing syndrome. Last evaluated: 2025-05-08. Review status: criteria provided, single submitter. Criteria: Ambry Variant Classification Scheme 2023. Collection method: clinical testing. Allele origin: germline.
Comment: The p.M165T variant (also known as c.494T>C), located in coding exon 7 of the BAP1 gene, results from a T to C substitution at nucleotide position 494. The methionine at codon 165 is replaced by threonine, an amino acid with similar properties. This amino acid position is conserved. In addition, the in silico prediction for this alteration is inconclusive. Based on the available evidence, the clinical significance of this variant remains unclear.

NM_004656.4(BAP1):c.494T>C (p.Met165Thr)

Gene: BAP1 (BRCA1 associated deubiquitinase 1; minus strand). Cytogenetic location: 3p21.1.
Variant type: single nucleotide variant.
Coding change: c.494T>C on transcript NM_004656.4 (MANE Select); coding-DNA position 494, T replaced by C.
Protein change: p.Met165Thr; replaces methionine 165 with threonine.
Molecular consequence: missense variant.
Genome position (GRCh38, 1-based): chr3:52,407,260, A>G on the plus strand (T>C on the coding strand, the complement: BAP1 is on the minus strand). VCF-style: chr3-52407260-A-G. GRCh37 (hg19) VCF-style: chr3-52441276-A-G.
Other names: c.494T>C (NM_004656.3); c.494T>C, p.Met165Thr (NM_001410772.1); short protein forms M165T.
Identifiers: ClinVar variation 3987019 (VCV003987019.2).